The following is an entry in ClinVar:

NM_002242.4(KCNJ13):c.722T>A (p.Leu241Gln)

Genes: GIGYF2 (GRB10 interacting GYF protein 2; plus strand), KCNJ13 (potassium inwardly rectifying channel subfamily J member 13; minus strand). Cytogenetic location: 2q37.1.
Variant type: single nucleotide variant.
Coding change: c.722T>A on transcript NM_002242.4 (MANE Select); coding-DNA position 722, T replaced by A.
Protein change: p.Leu241Gln; replaces leucine 241 with glutamine.
Molecular consequence: missense variant. On other transcripts: 3 prime UTR variant (1), intron variant (4).
Genome position (GRCh38, 1-based): chr2:232,768,552, A>T on the plus strand (T>A on the coding strand, the complement: KCNJ13 is on the minus strand). VCF-style: chr2-232768552-A-T. GRCh37 (hg19) VCF-style: chr2-233633262-A-T.
Other names: c.*201T>A (NM_001172416.1); c.482T>A, p.Leu161Gln (NM_001172417.1); c.532+7116A>T (NM_001103146.3, NM_015575.4, NM_001103147.2 and 1 more transcripts); short protein forms L161Q, L241Q.
Identifiers: ClinVar variation 1025287 (VCV001025287.8), dbSNP rs143607153, ClinGen allele CA2169991.

ClinVar aggregate classification (germline): Uncertain significance. Review status: criteria provided, multiple submitters, no conflicts (2 of 4 stars). 3 submissions from 3 submitters: Uncertain significance (3). Last evaluated 2025-12-30.

Allele frequency attached by ClinVar (database versions not stated): ExAC 0.00007; gnomAD 0.00022 and 0.00027; TOPMed 0.00025; ESP Exome Variant Server 0.00031; gnomAD exomes 0.00006.
gnomAD v4.1: 58 of 1,614,060 alleles (0.0036%); highest among the groups gnomAD compares: African/African-American, 0.076%; no homozygotes.

Submissions (3):

Labcorp Genetics (formerly Invitae), Labcorp
Classification: Uncertain significance. Last evaluated: 2025-12-30. Review status: criteria provided, single submitter. Criteria: Invitae Variant Classification Sherloc (09022015). Collection method: clinical testing. Allele origin: germline.
Comment: This sequence change replaces leucine, which is neutral and non-polar, with glutamine, which is neutral and polar, at codon 241 of the KCNJ13 protein (p.Leu241Gln). This variant is present in population databases (rs143607153, gnomAD 0.09%). This variant has not been reported in the literature in individuals affected with KCNJ13-related conditions. ClinVar contains an entry for this variant (Variation ID: 1025287). Invitae Evidence Modeling of protein sequence and biophysical properties (such as structural, functional, and spatial information, amino acid conservation, physicochemical variation, residue mobility, and thermodynamic stability) indicates that this missense variant is not expected to disrupt KCNJ13 protein function with a negative predictive value of 80%. In summary, the available evidence is currently insufficient to determine the role of this variant in disease. Therefore, it has been classified as a Variant of Uncertain Significance.

Blueprint Genetics
Classification: Uncertain significance. Last evaluated: 2022-09-09. Review status: criteria provided, single submitter. Criteria: ACMG Guidelines, 2015. Collection method: clinical testing. Allele origin: germline.

Ambry Genetics
Classification: Uncertain significance. Last evaluated: 2021-08-13. Review status: criteria provided, single submitter. Criteria: Ambry Variant Classification Scheme 2023. Collection method: clinical testing. Allele origin: germline.